The following is an entry in ClinVar:

ClinVar aggregate classification (germline): Uncertain significance (1 of 4 stars; one submission).

Conditions:
Hyperkalemic periodic paralysis. Also called: Familial hyperkalemic periodic paralysis; Gamstorp disease. Identifiers: Orphanet 682, MedGen C0238357, MONDO:0008224, OMIM 170500, HP:0007215.

Submission:

Labcorp Genetics (formerly Invitae), Labcorp
Classification: Uncertain significance for Hyperkalemic periodic paralysis. Last evaluated: 2022-11-12. Review status: criteria provided, single submitter. Criteria: Invitae Variant Classification Sherloc (09022015). Collection method: clinical testing. Allele origin: germline.
Comment: This sequence change replaces histidine, which is basic and polar, with leucine, which is neutral and non-polar, at codon 130 of the SCN4A protein (p.His130Leu). This variant is not present in population databases (gnomAD no frequency). This variant has not been reported in the literature in individuals affected with SCN4A-related conditions. Advanced modeling of protein sequence and biophysical properties (such as structural, functional, and spatial information, amino acid conservation, physicochemical variation, residue mobility, and thermodynamic stability) has been performed at Invitae for this missense variant, however the output from this modeling did not meet the statistical confidence thresholds required to predict the impact of this variant on SCN4A protein function. In summary, the available evidence is currently insufficient to determine the role of this variant in disease. Therefore, it has been classified as a Variant of Uncertain Significance.

NM_000334.4(SCN4A):c.389A>T (p.His130Leu)

Gene: SCN4A (sodium voltage-gated channel alpha subunit 4; minus strand). Cytogenetic location: 17q23.3.
Variant type: single nucleotide variant.
Coding change: c.389A>T on transcript NM_000334.4 (MANE Select); coding-DNA position 389, A replaced by T.
Protein change: p.His130Leu; replaces histidine 130 with leucine.
Molecular consequence: missense variant.
Genome position (GRCh38, 1-based): chr17:63,972,355, T>A on the plus strand (A>T on the coding strand, the complement: SCN4A is on the minus strand). VCF-style: chr17-63972355-T-A. GRCh37 (hg19) VCF-style: chr17-62049715-T-A.
Other names: short protein forms H130L.
Identifiers: ClinVar variation 2813797 (VCV002813797.3), dbSNP rs2509325072, ClinGen allele CA400639841.